The following is an entry in ClinVar:

NM_001318852.2(MAPK8IP3):c.3814G>A (p.Ala1272Thr)

Gene: MAPK8IP3 (mitogen-activated protein kinase 8 interacting protein 3; plus strand). Cytogenetic location: 16p13.3.
Variant type: single nucleotide variant.
Coding change: c.3814G>A on transcript NM_001318852.2 (MANE Select); coding-DNA position 3814, G replaced by A.
Protein change: p.Ala1272Thr; replaces alanine 1272 with threonine.
Molecular consequence: missense variant.
Genome position (GRCh38, 1-based): chr16:1,768,548, G>A. VCF-style: chr16-1768548-G-A. GRCh37 (hg19) VCF-style: chr16-1818549-G-A.
Other names: c.3793G>A, p.Ala1265Thr (NM_001040439.2); c.3811G>A, p.Ala1271Thr (NM_015133.5); short protein forms A1265T, A1271T, A1272T.
Identifiers: ClinVar variation 978183 (VCV000978183.2), dbSNP rs759987645, ClinGen allele CA7817863.

ClinVar aggregate classification (germline): Uncertain significance (1 of 4 stars; one submission).

Conditions:
Neurodevelopmental disorder with or without variable brain abnormalities; NEDBA. Also called: NEURODEVELOPMENTAL DISORDER WITH OR WITHOUT VARIABLE BRAIN ABNORMALITIES. Identifiers: MedGen C5193102, MONDO:0032755, OMIM 618443.

Allele frequency attached by ClinVar (database versions not stated): TOPMed below 0.00001; gnomAD 0.00001; gnomAD exomes 0.00001; ExAC 0.00004.
gnomAD v4.1: 5 of 1,567,122 alleles (0.00032%); highest among the groups gnomAD compares: South Asian, 0.0046%; no homozygotes.

Submission:

New York Genome Center
Classification: Uncertain significance for Neurodevelopmental disorder with or without variable brain abnormalities; NEDBA. Last evaluated: 2020-02-04. Review status: criteria provided, single submitter. Criteria: NYGC Assertion Criteria 2020. Collection method: clinical testing. Allele origin: germline. Observed: 1 heterozygote. Study: CSER-NYCKidSeq.
Comment: The c.3811G>A (p.Ala1271Thr) variant identified in the MAPK8IP3 gene substitutes a moderately conserved Alanine for Threonine at amino acid 1271/1337 (coding exon 31/32). This variant is found with low frequency in gnomAD (1 heterozygote, 0 homozygotes; allele frequency: 5.75e-6) suggesting it is not a common benign variant in the populations represented in this database. In silico algorithms predict this variant to be Neutral (Provean; score:-0.12) and Tolerated (SIFT; score:0.338) to the function of the canonical transcript. This variant is absent from ClinVar and to our current knowledge has not been reported in affected individuals in the literature. The p.Ala1271 residue is at the C-terminus of the protein and not within a mapped domain. Given the lack of compelling evidence for its pathogenicity, the c.3811G>A (p.Ala1271Thr) variant identified in the MAPK8IP3 gene is reported here as a Variant of Uncertain Significance